The following is an entry in ClinVar:

ClinVar aggregate classification (germline): Uncertain significance (1 of 4 stars; one submission).

Conditions:
Dilated cardiomyopathy 1G (CMD1G). Identifiers: Orphanet 154, MedGen C1858763, MONDO:0011400, OMIM 604145.
Autosomal recessive limb-girdle muscular dystrophy type 2J (LGMDR10). Also called: Limb-girdle muscular dystrophy, type 2J; MUSCULAR DYSTROPHY, LIMB-GIRDLE, AUTOSOMAL RECESSIVE 10. Identifiers: Orphanet 140922, MedGen C1837342, MONDO:0012127, OMIM 608807.

Submission:

Labcorp Genetics (formerly Invitae), Labcorp
Classification: Uncertain significance for Dilated cardiomyopathy 1G; Autosomal recessive limb-girdle muscular dystrophy type 2J. Last evaluated: 2022-04-12. Review status: criteria provided, single submitter. Criteria: Invitae Variant Classification Sherloc (09022015). Collection method: clinical testing. Allele origin: germline.
Comment: This variant is located in the M band of TTN (PMID: 25589632). Variants in this region may be relevant for neuromuscular disorders, but have not been definitively shown to cause cardiomyopathy (PMID: 23975875). In summary, the available evidence is currently insufficient to determine the role of this variant in disease. Therefore, it has been classified as a Variant of Uncertain Significance. Experimental studies and prediction algorithms are not available or were not evaluated, and the functional significance of this variant is currently unknown. This variant has not been reported in the literature in individuals affected with TTN-related conditions. This variant is not present in population databases (gnomAD no frequency). This sequence change replaces glutamine, which is neutral and polar, with arginine, which is basic and polar, at codon 35167 of the TTN protein (p.Gln35167Arg).

Literature cited by the submitters: PubMed 25589632; PubMed 23975875.

NM_001267550.2(TTN):c.105500A>G (p.Gln35167Arg)

Genes: TTN-AS1 (TTN antisense RNA 1; plus strand), TTN (titin; minus strand), LOC129935184 (ATAC-STARR-seq lymphoblastoid active region 16809; plus strand). Cytogenetic location: 2q31.2.
Variant type: single nucleotide variant.
Coding change: c.105500A>G on transcript NM_001267550.2 (MANE Select); coding-DNA position 105500, A replaced by G.
Protein change: p.Gln35167Arg; replaces glutamine 35167 with arginine.
Molecular consequence: missense variant.
Genome position (GRCh38, 1-based): chr2:178,531,115, T>C on the plus strand (A>G on the coding strand, the complement: TTN is on the minus strand). VCF-style: chr2-178531115-T-C. GRCh37 (hg19) VCF-style: chr2-179395842-T-C.
Other names: c.100577A>G, p.Gln33526Arg (NM_001256850.1); c.78305A>G, p.Gln26102Arg (NM_003319.4); c.97796A>G, p.Gln32599Arg (NM_133378.4); c.78680A>G, p.Gln26227Arg (NM_133432.3); c.78881A>G, p.Gln26294Arg (NM_133437.4); short protein forms Q26227R, Q26102R, Q33526R, Q26294R, Q32599R, Q35167R.
Identifiers: ClinVar variation 2080809 (VCV002080809.4), dbSNP rs2468397329, ClinGen allele CA349408648.